The following is an entry in ClinVar:

ClinVar aggregate classification (germline): Uncertain significance. Review status: criteria provided, single submitter (1 of 4 stars). 2 submissions from 2 submitters: Uncertain significance (1). 1 of the submissions does not count toward it. Last evaluated 2024-08-20.

Conditions:
DNMT3A-related disorder. Also called: DNMT3A-related disorders; DNMT3A-related condition.

Allele frequency attached by ClinVar (database versions not stated): gnomAD exomes below 0.00001; TOPMed 0.00001.
gnomAD v4.1: 4 of 1,541,022 alleles (0.00026%); highest among the groups gnomAD compares: Admixed American, 0.004%; no homozygotes.

Submissions (2):

GeneDx
Classification: Uncertain significance. Last evaluated: 2024-08-20. Review status: criteria provided, single submitter. Criteria: GeneDx Variant Classification Process June 2021. Collection method: clinical testing. Allele origin: germline. Affected: yes.
Comment: Nucleotide is not conserved across species and the substitution has no predicted effect on splicing; Has not been previously published as pathogenic or benign to our knowledge; Alters the Kozak sequence, which plays a major role in the initiation of translation

PreventionGenetics, part of Exact Sciences
Classification: Likely benign for DNMT3A-related condition. Last evaluated: 2021-10-27. Review status: no assertion criteria provided. Collection method: clinical testing. Allele origin: germline. Not counted in ClinVar's aggregate classification.
Comment: This variant is classified as likely benign based on ACMG/AMP sequence variant interpretation guidelines (Richards et al. 2015 PMID: 25741868, with internal and published modifications).

NM_022552.5(DNMT3A):c.-4C>T

Gene: DNMT3A (DNA methyltransferase 3 alpha; minus strand). Cytogenetic location: 2p23.3.
Variant type: single nucleotide variant.
Coding change: c.-4C>T on transcript NM_022552.5 (MANE Select); 4 bases upstream of the start codon, C replaced by T.
Molecular consequence: 5 prime UTR variant. On other transcripts: non-coding transcript variant (1).
Genome position (GRCh38, 1-based): chr2:25,313,988, G>A on the plus strand (C>T on the coding strand, the complement: DNMT3A is on the minus strand). VCF-style: chr2-25313988-G-A. GRCh37 (hg19) VCF-style: chr2-25536857-G-A.
Other names: c.-4C>T (NM_001320892.2, NM_175629.2, NM_175630.1).
Identifiers: ClinVar variation 3059484 (VCV003059484.3), dbSNP rs1331022404, ClinGen allele CA531595378.